The following is an entry in ClinVar:

NM_130839.5(UBE3A):c.357T>G (p.Phe119Leu)

Genes: SNHG14 (small nucleolar RNA host gene 14; plus strand), UBE3A (ubiquitin protein ligase E3A; minus strand). Cytogenetic location: 15q11.2.
Variant type: single nucleotide variant.
Coding change: c.357T>G on transcript NM_130839.5 (MANE Select); coding-DNA position 357, T replaced by G.
Protein change: p.Phe119Leu; replaces phenylalanine 119 with leucine.
Molecular consequence: missense variant. On other transcripts: non-coding transcript variant (1).
Genome position (GRCh38, 1-based): chr15:25,375,469, A>C on the plus strand (T>G on the coding strand, the complement: UBE3A is on the minus strand). VCF-style: chr15-25375469-A-C. GRCh37 (hg19) VCF-style: chr15-25620616-A-C.
Other names: c.297T>G, p.Phe99Leu (NM_001354549.2, NM_001354551.2, NM_001374461.1 and 18 more transcripts); c.357T>G, p.Phe119Leu (NM_001354550.2, NM_001354545.2, NM_001354538.2 and 1 more transcripts); c.180T>G, p.Phe60Leu (NM_001354546.2); c.366T>G, p.Phe122Leu (NM_000462.5); short protein forms F119L, F122L, F60L, F99L.
Identifiers: ClinVar variation 1308898 (VCV001308898.2), dbSNP rs2152847522, ClinGen allele CA391356055.

ClinVar aggregate classification (germline): Uncertain significance (1 of 4 stars; one submission).

Submission:

GeneDx
Classification: Uncertain significance. Last evaluated: 2021-02-04. Review status: criteria provided, single submitter. Criteria: GeneDx Variant Classification Process June 2021. Collection method: clinical testing. Allele origin: germline. Affected: yes.
Comment: Not observed in large population cohorts (Lek et al., 2016); In silico analysis, which includes protein predictors and evolutionary conservation, supports that this variant does not alter protein structure/function; Has not been previously published as pathogenic or benign to our knowledge